The following is an entry in ClinVar:

ClinVar aggregate classification (germline): Uncertain significance. Review status: criteria provided, multiple submitters, no conflicts (2 of 4 stars). 2 submissions from 2 submitters: Uncertain significance (2). Last evaluated 2024-02-23.

Conditions:
Cranium bifidum occultum. Also called: Enlarged Parietal Foramina; CATLIN MARKS; CRANIUM BIFIDUM, HEREDITARY. Identifiers: MedGen C1868598, HP:0004423.
Inborn genetic diseases. Identifiers: MedGen C0950123, MeSH D030342.

Allele frequency attached by ClinVar (database versions not stated): gnomAD 0.00001; TOPMed 0.00001; ExAC 0.00002; gnomAD exomes 0.00003.
gnomAD v4.1: 39 of 1,612,984 alleles (0.0024%); highest among the groups gnomAD compares: Middle Eastern, 0.016%; no homozygotes.

Submissions (2):

Labcorp Genetics (formerly Invitae), Labcorp
Classification: Uncertain significance for Cranium bifidum occultum. Last evaluated: 2024-02-23. Review status: criteria provided, single submitter. Criteria: Invitae Variant Classification Sherloc (09022015). Collection method: clinical testing. Allele origin: germline.
Comment: This sequence change replaces threonine, which is neutral and polar, with methionine, which is neutral and non-polar, at codon 257 of the MSX2 protein (p.Thr257Met). This variant is present in population databases (rs752824647, gnomAD 0.003%). This variant has not been reported in the literature in individuals affected with MSX2-related conditions. An algorithm developed to predict the effect of missense changes on protein structure and function (PolyPhen-2) suggests that this variant is likely to be disruptive. In summary, the available evidence is currently insufficient to determine the role of this variant in disease. Therefore, it has been classified as a Variant of Uncertain Significance.

Ambry Genetics
Classification: Uncertain significance for Inborn genetic diseases. Last evaluated: 2023-12-19. Review status: criteria provided, single submitter. Criteria: Ambry Variant Classification Scheme 2023. Collection method: clinical testing. Allele origin: germline.

NM_002449.5(MSX2):c.770C>T (p.Thr257Met)

Gene: MSX2 (msh homeobox 2; plus strand). Cytogenetic location: 5q35.2.
Variant type: single nucleotide variant.
Coding change: c.770C>T on transcript NM_002449.5 (MANE Select); coding-DNA position 770, C replaced by T.
Protein change: p.Thr257Met; replaces threonine 257 with methionine.
Molecular consequence: missense variant. On other transcripts: 3 prime UTR variant (1).
Genome position (GRCh38, 1-based): chr5:174,729,549, C>T. VCF-style: chr5-174729549-C-T. GRCh37 (hg19) VCF-style: chr5-174156552-C-T.
Other names: c.*394C>T (NM_001363626.2); short protein forms T257M.
Identifiers: ClinVar variation 3212929 (VCV003212929.3), dbSNP rs752824647, ClinGen allele CA3565264.